The following is an entry in ClinVar:

NM_000179.3(MSH6):c.443dup (p.Leu148fs)

Gene: MSH6 (mutS homolog 6; plus strand). Cytogenetic location: 2p16.3.
Variant type: Duplication.
Coding change: c.443dup on transcript NM_000179.3 (MANE Select); coding-DNA position 443, one base duplicated (T; older notation c.443dupT).
Protein change: p.Leu148fs; shifts the reading frame from leucine 148.
Molecular consequence: frameshift variant. On other transcripts: 5 prime UTR variant (2), intron variant (1).
Genome position (GRCh38, 1-based): chr2:47,791,109, T duplicated; the last of 4 consecutive T bases (chr2:47,791,106-47,791,109); duplicating any one gives the same sequence. VCF-style (leftmost placement, unchanged base first): chr2-47791105-C-CT. GRCh37 (hg19) VCF-style: chr2-48018244-C-CT.
Other names: c.-294dup (NM_001281493.2); c.-460dup (NM_001281494.2); c.238-7502dup (NM_001281492.2); c.443dupT (NM_000179.2); short protein forms L148fs.
Identifiers: ClinVar variation 545832 (VCV000545832.6), dbSNP rs1060502875, ClinGen allele CA658823254.

ClinVar aggregate classification (germline): Pathogenic/Likely pathogenic. Review status: criteria provided, multiple submitters, no conflicts (2 of 4 stars). 3 submissions from 3 submitters: Pathogenic (1); Likely pathogenic (2). Last evaluated 2025-02-04.

Conditions:
Hereditary cancer-predisposing syndrome. Also called: Neoplastic Syndromes, Hereditary; Hereditary Cancer Syndrome; Tumor predisposition; Hereditary neoplastic syndrome. Identifiers: Orphanet 140162, MedGen C0027672, MeSH D009386, MONDO:0015356.
Lynch syndrome. Identifiers: Orphanet 144, MedGen C4552100, MONDO:0005835. Disease mechanism: loss of function.

Submissions (3):

Department of Clinical Genetics, Copenhagen University Hospital, Rigshospitalet
Classification: Likely pathogenic for Lynch syndrome. Last evaluated: 2025-02-04. Review status: criteria provided, single submitter. Criteria: ACMG Guidelines, 2015. Collection method: clinical testing. Allele origin: germline.
Comment: PVS1; PM2_SUP;

Ambry Genetics
Classification: Pathogenic for Hereditary cancer-predisposing syndrome. Last evaluated: 2020-05-29. Review status: criteria provided, single submitter. Criteria: Ambry Variant Classification Scheme 2023. Collection method: clinical testing. Allele origin: germline.
Comment: The c.443dupT pathogenic mutation, located in coding exon 2 of the MSH6 gene, results from a duplication of T at nucleotide position 443, causing a translational frameshift with a predicted alternate stop codon (p.L148Ffs*24). This alteration is expected to result in loss of function by premature protein truncation or nonsense-mediated mRNA decay. As such, this alteration is interpreted as a disease-causing mutation.

GeneDx
Classification: Likely pathogenic. Last evaluated: 2017-10-27. Review status: criteria provided, single submitter. Criteria: GeneDx Variant Classification (06012015). Collection method: clinical testing. Allele origin: germline. Affected: yes.
Comment: This duplication of one nucleotide in MSH6 is denoted c.443dupT at the cDNA level and p.Leu148PhefsX24 (L148FfsX24) at the protein level. The normal sequence, with the base that is duplicated in brackets, is CTTT[dupT]AAAG. The duplication causes a frameshift which changes a Leucine to a Phenylalanine at codon 148, and creates a premature stop codon at position 24 of the new reading frame. Although this variant has not, to our knowledge, been reported in the literature, it is predicted to cause loss of normal protein function through either protein truncation or nonsense-mediated mRNA decay. Based on the currently available information, we consider this duplication to be a likely pathogenic variant.